The following is an entry in ClinVar:

NM_016507.4(CDK12):c.4244T>A (p.Val1415Glu)

Gene: CDK12 (cyclin dependent kinase 12; plus strand). Cytogenetic location: 17q12.
Variant type: single nucleotide variant.
Coding change: c.4244T>A on transcript NM_016507.4 (MANE Select); coding-DNA position 4244, T replaced by A.
Protein change: p.Val1415Glu; replaces valine 1415 with glutamic acid.
Molecular consequence: missense variant.
Genome position (GRCh38, 1-based): chr17:39,531,087, T>A. VCF-style: chr17-39531087-T-A. GRCh37 (hg19) VCF-style: chr17-37687340-T-A.
Other names: c.4217T>A, p.Val1406Glu (NM_015083.4); short protein forms V1415E, V1406E.
Identifiers: ClinVar variation 3141482 (VCV003141482.2), dbSNP rs2054813081, ClinGen allele CA398849035.

ClinVar aggregate classification (germline): Uncertain significance (1 of 4 stars; one submission).

Allele frequency attached by ClinVar (database versions not stated): TOPMed below 0.00001; gnomAD 0.00001.
gnomAD v4.1: 1 of 1,597,020 alleles (0.000063%); highest among the groups gnomAD compares: Non-Finnish European, 0.000085%; no homozygotes.

Submission:

Ambry Genetics
Classification: Uncertain significance. Last evaluated: 2025-06-02. Review status: criteria provided, single submitter. Criteria: Ambry Variant Classification Scheme 2023. Collection method: clinical testing. Allele origin: germline.
Comment: The p.V1415E variant (also known as c.4244T>A), located in coding exon 14 of the CDK12 gene, results from a T to A substitution at nucleotide position 4244. The valine at codon 1415 is replaced by glutamic acid, an amino acid with dissimilar properties. This amino acid position is conserved. In addition, this alteration is predicted to be tolerated by in silico analysis. Based on the available evidence, the clinical significance of this variant remains unclear.